The following is an entry in ClinVar:

ClinVar aggregate classification (germline): Uncertain significance (1 of 4 stars; one submission).

Conditions:
Norman-Roberts syndrome (LIS2). Also called: Lissencephaly 2 (Norman-Roberts type). Identifiers: Orphanet 89844, MedGen C0796089, MONDO:0009760, OMIM 257320.
Familial temporal lobe epilepsy 7. Identifiers: Orphanet 101046, MedGen C4225327, MONDO:0014639, OMIM 616436.

Submission:

Labcorp Genetics (formerly Invitae), Labcorp
Classification: Uncertain significance for Familial temporal lobe epilepsy 7; Norman-Roberts syndrome. Last evaluated: 2024-12-10. Review status: criteria provided, single submitter. Criteria: Invitae Variant Classification Sherloc (09022015). Collection method: clinical testing. Allele origin: germline.
Comment: This sequence change replaces glutamine, which is neutral and polar, with arginine, which is basic and polar, at codon 2244 of the RELN protein (p.Gln2244Arg). This variant is not present in population databases (gnomAD no frequency). This variant has not been reported in the literature in individuals affected with RELN-related conditions. Invitae Evidence Modeling of protein sequence and biophysical properties (such as structural, functional, and spatial information, amino acid conservation, physicochemical variation, residue mobility, and thermodynamic stability) indicates that this missense variant is not expected to disrupt RELN protein function with a negative predictive value of 80%. In summary, the available evidence is currently insufficient to determine the role of this variant in disease. Therefore, it has been classified as a Variant of Uncertain Significance.

NM_005045.4(RELN):c.6731A>G (p.Gln2244Arg)

Gene: RELN (reelin; minus strand). Cytogenetic location: 7q22.1.
Variant type: single nucleotide variant.
Coding change: c.6731A>G on transcript NM_005045.4 (MANE Select); coding-DNA position 6731, A replaced by G.
Protein change: p.Gln2244Arg; replaces glutamine 2244 with arginine.
Molecular consequence: missense variant.
Genome position (GRCh38, 1-based): chr7:103,540,396, T>C on the plus strand (A>G on the coding strand, the complement: RELN is on the minus strand). VCF-style: chr7-103540396-T-C. GRCh37 (hg19) VCF-style: chr7-103180843-T-C.
Other names: c.6731A>G, p.Gln2244Arg (NM_173054.3); short protein forms Q2244R.
Identifiers: ClinVar variation 3761897 (VCV003761897.2).